The following is an entry in ClinVar:

NM_001365088.1(SLC12A6):c.753C>T (p.Gly251=)

Gene: SLC12A6 (solute carrier family 12 member 6; minus strand). Cytogenetic location: 15q14.
Variant type: single nucleotide variant.
Coding change: c.753C>T on transcript NM_001365088.1 (MANE Select); coding-DNA position 753, C replaced by T.
Protein change: p.Gly251=; no amino-acid change (glycine 251 retained).
Molecular consequence: synonymous variant.
Genome position (GRCh38, 1-based): chr15:34,255,385, G>A on the plus strand (C>T on the coding strand, the complement: SLC12A6 is on the minus strand). VCF-style: chr15-34255385-G-A. GRCh37 (hg19) VCF-style: chr15-34547586-G-A.
Other names: c.576C>T, p.Gly192= (NM_001042494.2, NM_001042495.2); c.726C>T, p.Gly242= (NM_001042496.2); c.708C>T, p.Gly236= (NM_001042497.2); c.600C>T, p.Gly200= (NM_005135.2); c.753C>T, p.Gly251= (NM_133647.2); c.753C>T (NM_133647.1).
Identifiers: ClinVar variation 1640645 (VCV001640645.9), dbSNP rs779949209, ClinGen allele CA7464475.

ClinVar aggregate classification (germline): Likely benign. Review status: criteria provided, multiple submitters, no conflicts (2 of 4 stars). 2 submissions from 2 submitters: Likely benign (2). Last evaluated 2025-12-13.

Conditions:
SLC12A6-related disorder. Also called: SLC12A6-related condition.

Allele frequency attached by ClinVar (database versions not stated): gnomAD exomes below 0.00001 and 0.00001; ExAC 0.00001; gnomAD 0.00001; TOPMed 0.00001.
gnomAD v4.1: 14 of 1,608,836 alleles (0.00087%); highest among the groups gnomAD compares: Non-Finnish European, 0.0011%; no homozygotes.

Submissions (2):

PreventionGenetics, part of Exact Sciences
Classification: Likely benign for SLC12A6-related condition. Last evaluated: 2025-12-13. Review status: criteria provided, single submitter. Criteria: ACMG Guidelines, 2015. Collection method: clinical testing. Allele origin: germline.
Comment: This variant is classified as likely benign based on ACMG/AMP sequence variant interpretation guidelines (Richards et al. 2015 PMID: 25741868, with internal and published modifications).

Labcorp Genetics (formerly Invitae), Labcorp
Classification: Likely benign. Last evaluated: 2023-11-07. Review status: criteria provided, single submitter. Criteria: Invitae Variant Classification Sherloc (09022015). Collection method: clinical testing. Allele origin: germline.